The following is an entry in ClinVar:

ClinVar aggregate classification (germline): Pathogenic. Review status: reviewed by expert panel (3 of 4 stars). 4 submissions from 4 submitters: Pathogenic (1). 3 of the submissions do not count toward it. Last evaluated 2016-10-18.

Conditions:
Hereditary breast ovarian cancer syndrome. Also called: Hereditary breast and ovarian cancer syndrome (HBOC); Breast and ovarian cancer; Hereditary breast and ovarian cancer syndrome; Hereditary breast and ovarian cancer; BRCA1- and BRCA2-Associated Hereditary Breast and Ovarian Cancer; Hereditary breast and/or ovarian cancer syndrome. Identifiers: Orphanet 145, MedGen C0677776, MeSH D061325, MONDO:0003582. Disease mechanism: loss of function.
Hereditary cancer-predisposing syndrome. Also called: Hereditary Cancer Syndrome; Neoplastic Syndromes, Hereditary; Hereditary neoplastic syndrome; Tumor predisposition. Identifiers: Orphanet 140162, MedGen C0027672, MeSH D009386, MONDO:0015356.
Breast-ovarian cancer, familial, susceptibility to, 1 (BROVCA1). Also called: BRCA1 Hereditary Breast and Ovarian Cancer; OVARIAN CANCER, SUSCEPTIBILITY TO. Identifiers: Orphanet 145, MedGen C2676676, MONDO:0011450, OMIM 604370. Disease mechanism: loss of function.

Submissions (4):

Evidence-based Network for the Interpretation of Germline Mutant Alleles (ENIGMA)
Classification: Pathogenic for Breast-ovarian cancer, familial, susceptibility to, 1. Last evaluated: 2016-10-18. Review status: reviewed by expert panel. Criteria: ENIGMA BRCA1/2 Classification Criteria (2015). Collection method: curation. Allele origin: germline.
Comment: Variant allele predicted to encode a truncated non-functional protein.

Labcorp Genetics (formerly Invitae), Labcorp
Classification: Pathogenic for Hereditary breast ovarian cancer syndrome. Last evaluated: 2023-03-13. Review status: criteria provided, single submitter. Criteria: Invitae Variant Classification Sherloc (09022015). Collection method: clinical testing. Allele origin: germline. Not counted in ClinVar's aggregate classification.
Comment: This variant disrupts a region of the BRCA1 protein in which other variant(s) (p.Tyr1853*) have been determined to be pathogenic (PMID: 7894493, 10811118, 11739404, 12400015, 21922593; Invitae). This suggests that this is a clinically significant region of the protein, and that variants that disrupt it are likely to be disease-causing. For these reasons, this variant has been classified as Pathogenic. ClinVar contains an entry for this variant (Variation ID: 266454). This premature translational stop signal has been observed in individual(s) with breast cancer (PMID: 30720863). This variant is not present in population databases (gnomAD no frequency). This sequence change creates a premature translational stop signal (p.Leu1392*) in the BRCA1 gene. While this is not anticipated to result in nonsense mediated decay, it is expected to disrupt the last 472 amino acid(s) of the BRCA1 protein.

Ambry Genetics
Classification: Pathogenic for Hereditary cancer-predisposing syndrome. Last evaluated: 2020-02-27. Review status: criteria provided, single submitter. Criteria: Ambry Variant Classification Scheme 2023. Collection method: clinical testing. Allele origin: germline. Not counted in ClinVar's aggregate classification.
Comment: The c.4175delT pathogenic mutation, located in coding exon 10 of the BRCA1 gene, results from a deletion of one nucleotide at nucleotide position 4175, causing a translational frameshift with a predicted alternate stop codon (p.L1392*). This alteration was identified in a large, worldwide study of BRCA1/2 mutation positive families (Rebbeck TR et al. Hum. Mutat., 2018 05;39:593-620). This alteration is expected to result in loss of function by premature protein truncation or nonsense-mediated mRNA decay. As such, this alteration is interpreted as a disease-causing mutation.

Consortium of Investigators of Modifiers of BRCA1/2 (CIMBA), c/o University of Cambridge
Classification: Pathogenic for Breast-ovarian cancer, familial, susceptibility to, 1. Last evaluated: 2015-10-02. Review status: criteria provided, single submitter. Criteria: CIMBA Mutation Classification guidelines May 2016. Collection method: clinical testing. Allele origin: germline. Not counted in ClinVar's aggregate classification.

Literature cited by the submitters: PubMed 7894493 (cited by Labcorp Genetics (formerly Invitae), Labcorp); PubMed 10811118 (cited by Labcorp Genetics (formerly Invitae), Labcorp); PubMed 11739404 (cited by Labcorp Genetics (formerly Invitae), Labcorp); PubMed 12400015 (cited by Labcorp Genetics (formerly Invitae), Labcorp); PubMed 21922593 (cited by Labcorp Genetics (formerly Invitae), Labcorp); PubMed 30720863 (cited by Labcorp Genetics (formerly Invitae), Labcorp); PubMed 29446198 (cited by Ambry Genetics).

NM_007294.4(BRCA1):c.4175del (p.Ile1391_Leu1392insTer)

Gene: BRCA1 (BRCA1 DNA repair associated; minus strand). Cytogenetic location: 17q21.31.
Variant type: Deletion.
Coding change: c.4175del on transcript NM_007294.4 (MANE Select); coding-DNA position 4175, one base deleted (T; older notation c.4175delT).
Protein change: p.Ile1391_Leu1392insTer.
Molecular consequence: nonsense. On other transcripts: frameshift variant (366), non-coding transcript variant (1).
Genome position (GRCh38, 1-based): chr17:43,090,954, A deleted on the plus strand (T on the coding strand, the reverse complement: BRCA1 is on the minus strand); the first of 4 consecutive A bases (chr17:43,090,954-43,090,957); deleting any one gives the same sequence. VCF-style (leftmost placement, unchanged base first): chr17-43090953-TA-T. GRCh37 (hg19) VCF-style: chr17-41242970-TA-T.
Other names: 4294delT; c.4175delT (NM_007294.3); c.3905delT, p.Leu1303Terfs (NM_001407936.1, NM_001407930.1, NM_001407931.1 and 2 more transcripts); c.4049delT, p.Leu1351Terfs (NM_001407937.1, NM_001407938.1, NM_001407939.1 and 19 more transcripts); c.4046delT, p.Leu1350Terfs (NM_001407940.1, NM_001407941.1, NM_001407649.1 and 11 more transcripts); c.4031delT, p.Leu1345Terfs (NM_001407942.1, NM_001407944.1, NM_001407945.1 and 28 more transcripts); c.4028delT, p.Leu1344Terfs (NM_001407943.1, NM_001407964.1, NM_001407740.1 and 20 more transcripts); c.3839delT, p.Leu1281Terfs (NM_001407946.1, NM_001407947.1, NM_001407948.1 and 6 more transcripts); and 46 more.
Identifiers: ClinVar variation 266454 (VCV000266454.15), dbSNP rs886040211, ClinGen allele CA10589683.